The following is an entry in ClinVar:

ClinVar aggregate classification (germline): Uncertain significance (1 of 4 stars; one submission).

Conditions:
Cardiovascular phenotype. Identifiers: MedGen CN230736.

gnomAD v4.1: 4 of 1,597,138 alleles (0.00025%); highest among the groups gnomAD compares: Non-Finnish European, 0.000086%; no homozygotes.

Submission:

Ambry Genetics
Classification: Uncertain significance for Cardiovascular phenotype. Last evaluated: 2024-12-31. Review status: criteria provided, single submitter. Criteria: Ambry Variant Classification Scheme 2023. Collection method: clinical testing. Allele origin: germline.
Comment: The p.D1156Y variant (also known as c.3466G>T), located in coding exon 22 of the SOS2 gene, results from a G to T substitution at nucleotide position 3466. The aspartic acid at codon 1156 is replaced by tyrosine, an amino acid with highly dissimilar properties. This amino acid position is conserved. In addition, this alteration is predicted to be deleterious by in silico analysis. Based on the available evidence, the clinical significance of this variant remains unclear.

NM_006939.4(SOS2):c.3466G>T (p.Asp1156Tyr)

Gene: SOS2 (SOS Ras/Rho guanine nucleotide exchange factor 2; minus strand). Cytogenetic location: 14q21.3.
Variant type: single nucleotide variant.
Coding change: c.3466G>T on transcript NM_006939.4 (MANE Select); coding-DNA position 3466, G replaced by T.
Protein change: p.Asp1156Tyr; replaces aspartic acid 1156 with tyrosine.
Molecular consequence: missense variant.
Genome position (GRCh38, 1-based): chr14:50,120,298, C>A on the plus strand (G>T on the coding strand, the complement: SOS2 is on the minus strand). VCF-style: chr14-50120298-C-A. GRCh37 (hg19) VCF-style: chr14-50587016-C-A.
Other names: c.3367G>T, p.Asp1123Tyr (NM_001411020.1); short protein forms D1123Y, D1156Y.
Identifiers: ClinVar variation 3799915 (VCV003799915.1).